The following is an entry in ClinVar:

NM_001077415.3(CRELD1):c.671_672insAAAC (p.Glu225fs)

Gene: CRELD1 (CRELD disulfide isomerase 1; plus strand). Cytogenetic location: 3p25.3.
Variant type: Insertion.
Coding change: c.671_672insAAAC on transcript NM_001077415.3 (MANE Select); coding-DNA positions 671 to 672, AAAC inserted.
Protein change: p.Glu225fs; shifts the reading frame from glutamic acid 225.
Molecular consequence: frameshift variant. On other transcripts: non-coding transcript variant (3).
Genome position: GRCh38 VCF-style: chr3-9941143-C-CCAAA. GRCh37 (hg19) VCF-style: chr3-9982827-C-CCAAA.
Other names: c.671_672insAAAC, p.Glu225fs (NM_001031717.4, NM_001374316.1, NM_001374317.1 and 5 more transcripts); short protein forms E225fs.
Identifiers: ClinVar variation 3720341 (VCV003720341.2).

ClinVar aggregate classification (germline): Pathogenic (1 of 4 stars; one submission).

Conditions:
Atrioventricular septal defect, susceptibility to, 2. Identifiers: MedGen C1853508, MONDO:0011650, OMIM 606217.

Submission:

Labcorp Genetics (formerly Invitae), Labcorp
Classification: Pathogenic for Atrioventricular septal defect, susceptibility to, 2. Last evaluated: 2024-08-28. Review status: criteria provided, single submitter. Criteria: Invitae Variant Classification Sherloc (09022015). Collection method: clinical testing. Allele origin: germline.
Comment: This sequence change creates a premature translational stop signal (p.Glu225Asnfs*2) in the CRELD1 gene. It is expected to result in an absent or disrupted protein product. Loss-of-function variants in CRELD1 are known to be pathogenic (PMID: 37947183). This variant is present in population databases (no rsID available, gnomAD 0.01%). This variant has not been reported in the literature in individuals affected with CRELD1-related conditions. For these reasons, this variant has been classified as Pathogenic.

Literature cited by the submitters: PubMed 37947183.